The following is an entry in ClinVar:

NM_000465.4(BARD1):c.568G>A (p.Asp190Asn)

Gene: BARD1 (BRCA1 associated RING domain 1; minus strand). Cytogenetic location: 2q35.
Variant type: single nucleotide variant.
Coding change: c.568G>A on transcript NM_000465.4 (MANE Select); coding-DNA position 568, G replaced by A.
Protein change: p.Asp190Asn; replaces aspartic acid 190 with asparagine.
Molecular consequence: missense variant. On other transcripts: non-coding transcript variant (2), intron variant (3).
Genome position (GRCh38, 1-based): chr2:214,781,306, C>T on the plus strand (G>A on the coding strand, the complement: BARD1 is on the minus strand). VCF-style: chr2-214781306-C-T. GRCh37 (hg19) VCF-style: chr2-215646030-C-T.
Other names: p.D190N:GAT>AAT; c.511G>A, p.Asp171Asn (NM_001282543.2); c.158+28106G>A (NM_001282548.2); c.215+15755G>A (NM_001282545.2); c.364+10991G>A (NM_001282549.2); short protein forms D190N, D171N.
Identifiers: ClinVar variation 142184 (VCV000142184.54), dbSNP rs369561166, ClinGen allele CA333240.
Genomic context (GRCh38, chr2:214,781,306, plus strand): 5'-TTTTCTTTTTTTGCTTTTTTCCAGATCTTGCAGAAGCCTTTTTAGCCCTCTCAGAAACAT[C>T]TGCAGGAGGACTTGGGGAAACAAATTCATATGAGTCTTGCTGAGCACTTGCATCTTTTTT-3'
Protein context (NP_000456.2, residues 180-200): YEFVSPSPPA[Asp190Asn]VSERAKKASA

ClinVar aggregate classification (germline): Conflicting classifications of pathogenicity. Review status: criteria provided, conflicting classifications (1 of 4 stars). 19 submissions from 19 submitters: Uncertain significance (12); Likely benign (5). 2 of the submissions do not count toward it. Last evaluated 2026-10-01.

Conditions:
BARD1-related disorder. Also called: BARD1-related condition.
Breast and/or ovarian cancer. Identifiers: MedGen CN221562.
Hereditary cancer-predisposing syndrome. Also called: Neoplastic Syndromes, Hereditary; Tumor predisposition; Hereditary neoplastic syndrome; Hereditary Cancer Syndrome. Identifiers: Orphanet 140162, MedGen C0027672, MeSH D009386, MONDO:0015356.
Familial cancer of breast. Also called: Hereditary breast cancer; hereditary breast carcinoma; BREAST CANCER, FAMILIAL. Identifiers: Orphanet 227535, MedGen C0346153, MONDO:0016419, OMIM 114480. Disease mechanism: loss of function.
Malignant tumor of breast. Also called: Malignant breast neoplasm; Cancer breast. Identifiers: MedGen C0006142, MONDO:0007254. Disease mechanism: loss of function.

Allele frequency attached by ClinVar (database versions not stated): gnomAD 0.00003; ESP Exome Variant Server 0.00008; TOPMed 0.00010.
gnomAD v4.1: 196 of 1,611,434 alleles (0.012%); highest among the groups gnomAD compares: Non-Finnish European, 0.016%; no homozygotes.

Submissions 1 to 12 of 19:

St. Jude Molecular Pathology, St. Jude Children's Research Hospital
Classification: Uncertain significance for Familial cancer of breast. Last evaluated: 2026-10-01. Review status: criteria provided, single submitter. Criteria: St. Jude Assertion Criteria 2020. Collection method: clinical testing. Allele origin: germline.
Comment: The BARD1 c.568G>A p.(Asp190Asn) missense change has a maximum subpopulation frequency of 0.01% in gnomAD v2.1.1. The in silico tool REVEL predicts a benign effect on protein function, but to our knowledge this prediction has not been confirmed by functional studies. To our knowledge, this variant has not been reported in individuals with B ARD1-related disease. In summary, the evidence currently available is insufficient to determine the clinical significance of this variant. It has therefore been classified as of uncertain significance. (VUS-Low).

PreventionGenetics, part of Exact Sciences
Classification: Uncertain significance for BARD1-related condition. Last evaluated: 2026-03-02. Review status: criteria provided, single submitter. Criteria: ACMG Guidelines, 2015. Collection method: clinical testing. Allele origin: germline.
Comment: The BARD1 c.568G>A variant is predicted to result in the amino acid substitution p.Asp190Asn. This variant was identified in a cohort of colorectal cancer patients and in an individual with ovarian cancer (Table A4, Yurgelun et al. 2017. PubMed ID: 28135145; Table S4, Ramus et al. 2015. PubMed ID: 26315354). Experimental studies showed this variant was functional in a homology directed repair assay (Table S1, Adamovich et al. 2019. PubMed ID: 30925164). This variant is reported in 0.012% of alleles in individuals of European (Non-Finnish) descent in gnomAD and has conflicting interpretations in ClinVar, ranging from uncertain to likely benign (Variation ID: 142184). At this time, the clinical significance of this variant is uncertain due to the absence of conclusive functional and genetic evidence.

Labcorp Genetics (formerly Invitae), Labcorp
Classification: Uncertain significance for Familial cancer of breast. Last evaluated: 2026-02-02. Review status: criteria provided, single submitter. Criteria: Invitae Variant Classification Sherloc (09022015). Collection method: clinical testing. Allele origin: germline.
Comment: This sequence change replaces aspartic acid, which is acidic and polar, with asparagine, which is neutral and polar, at codon 190 of the BARD1 protein (p.Asp190Asn). This variant is present in population databases (rs369561166, gnomAD 0.01%). This missense change has been observed in individual(s) with ovarian cancer and colorectal cancer (PMID: 26315354, 28135145, 34326862). ClinVar contains an entry for this variant (Variation ID: 142184). An algorithm developed to predict the effect of missense changes on protein structure and function (PolyPhen-2) suggests that this variant is likely to be tolerated. In summary, the available evidence is currently insufficient to determine the role of this variant in disease. Therefore, it has been classified as a Variant of Uncertain Significance.

Center for Genomic Medicine, Rigshospitalet, Copenhagen University Hospital
Classification: Uncertain significance. Last evaluated: 2025-12-29. Review status: criteria provided, single submitter. Criteria: ACMG Guidelines, 2015. Collection method: clinical testing. Allele origin: germline.

Laboratorio de I+D, Fundación Centro Médico de Asturias
Classification: Likely benign for Hereditary cancer-predisposing syndrome. Last evaluated: 2025-07-08. Review status: criteria provided, single submitter. Criteria: ACMG Guidelines, 2015. Collection method: clinical testing. Allele origin: germline.
Comment: BP4_Strong+BP1

GeneDx
Classification: Uncertain significance. Last evaluated: 2025-05-08. Review status: criteria provided, single submitter. Criteria: GeneDx Variant Classification Process June 2021. Collection method: clinical testing. Allele origin: germline. Affected: yes.
Comment: Published functional studies suggest no damaging effect: function similar to wild type in a homology directed repair assay (PMID: 30925164); In silico analysis suggests that this missense variant does not alter protein structure/function; This variant is associated with the following publications: (PMID: 28135145, 26315354, 27978560, 25186627, 33471991, 34326862, 30925164)

Hereditary Cancer Laboratory, Hospital Universitario 12 de Octubre
Classification: Uncertain significance for Hereditary cancer-predisposing syndrome. Last evaluated: 2025-04-07. Review status: criteria provided, single submitter. Criteria: ACMG Guidelines, 2015. Collection method: clinical testing. Allele origin: germline.
Comment: BP4

Women's Health and Genetics/Laboratory Corporation of America, LabCorp
Classification: Uncertain significance. Last evaluated: 2025-03-21. Review status: criteria provided, single submitter. Criteria: LabCorp Variant Classification Summary - May 2015. Collection method: clinical testing. Allele origin: germline.
Comment: Variant summary: BARD1 c.568G>A (p.Asp190Asn) results in a conservative amino acid change in the encoded protein sequence. Five of five in-silico tools predict a benign effect of the variant on protein function. The variant allele was found at a frequency of 6.3e-05 in 255702 control chromosomes. This frequency is not significantly higher than estimated for a pathogenic variant in BARD1 causing Hereditary Breast And Ovarian Cancer Syndrome (6.3e-05 vs 0.00025), allowing no conclusion about variant significance. It was also observed in 5 European American individuals from Flossies database. c.568G>A has been reported in the literature in individuals affected with serous ovarian cancer, colorectal cancer and in an individual with a personal history of breast/ovarian cancer without strong evidence of causality (Ramus_2015, Tung_2014, Yurgelun_2017, Bhai_2021). These reports therefore, do not provide unequivocal conclusions about association of the variant with Hereditary Breast and Ovarian Cancer. At least one publication reports experimental evidence evaluating an impact on protein function. These results showed no damaging effect of this variant (Adamovich_2019). The following publications have been ascertained in the context of this evaluation (PMID: 26315354, 25186627, 28135145, 30925164, 34326862). ClinVar contains an entry for this variant (Variation ID: 142184). Based on the evidence outlined above, the variant was classified as VUS-possibly benign.

Color Diagnostics, LLC DBA Color Health
Classification: Likely benign for Hereditary cancer-predisposing syndrome. Last evaluated: 2024-09-19. Review status: criteria provided, single submitter. Criteria: ACMG Guidelines, 2015. Collection method: clinical testing. Allele origin: germline.

CHEO Genetics Diagnostic Laboratory, Children's Hospital of Eastern Ontario
Classification: Uncertain significance for Breast and/or ovarian cancer. Last evaluated: 2023-06-13. Review status: criteria provided, single submitter. Criteria: ACMG Guidelines, 2015. Collection method: clinical testing. Allele origin: germline.

Myriad Genetics, Inc.
Classification: Likely benign for Familial cancer of breast. Last evaluated: 2023-02-24. Review status: criteria provided, single submitter. Criteria: Myriad Autosomal Dominant, Autosomal Recessive and X-Linked Classification Criteria (2023). Collection method: clinical testing. Allele origin: unknown.
Comment: This variant is considered likely benign. This variant is strongly associated with less severe personal and family histories of cancer, typical for individuals without pathogenic variants in this gene [PMID: 25085752].

Sema4
Classification: Uncertain significance for Hereditary cancer-predisposing syndrome. Last evaluated: 2021-11-19. Review status: criteria provided, single submitter. Criteria: Sema4 Curation Guidelines. Collection method: curation. Allele origin: germline.
Comment: The BARD1 c.568G>A (p.D190N) missense variant has been reported in at least 4 individuals with breast, ovarian, and colorectal cancer (PMIDs 28135145, 26315354, 25186627, 27978560). It was reported in 25/60,466 women with breast cancer and 18/53,461 controls, suggesting the variant is not associated with the disease (PMID 33471991). A functional study assaying homology-directed repair found this variant to have no damaging effect on HDR function (PMID 30925164), a finding that is supported by in silico tools, which predict the impact of the variant on protein function is benign. This variant was observed in 2/113682 chromosomes in the Non-Finnish European population according to the Genome Aggregation Database (PMID: PMID: 32461654), and has been reported in ClinVar (Variation ID 142184). The overall evidence is insufficient to meet ACMG/AMP criteria for classifying it as benign or pathogenic. In summary, the clinical significance of this variant is currently uncertain.